The following is an entry in ClinVar:

NM_000045.4(ARG1):c.665+2T>C

Genes: MED23 (mediator complex subunit 23; minus strand), ARG1 (arginase 1; plus strand). Cytogenetic location: 6q23.2.
Variant type: single nucleotide variant.
Coding change: c.665+2T>C on transcript NM_000045.4 (MANE Select); the canonical splice donor site of the intron after coding-DNA position 665, T replaced by C.
Molecular consequence: splice donor variant. On other transcripts: intron variant (2).
Genome position (GRCh38, 1-based): chr6:131,583,166, T>C. VCF-style: chr6-131583166-T-C. GRCh37 (hg19) VCF-style: chr6-131904306-T-C.
Other names: c.4095+4543A>G (NM_015979.4); c.689+2T>C (NM_001244438.2); c.410+2T>C (NM_001369020.1); c.4077+4543A>G (NM_001270521.2).
Identifiers: ClinVar variation 1523618 (VCV001523618.8), dbSNP rs113645893, ClinGen allele CA365652371.

ClinVar aggregate classification (germline): Likely pathogenic. Review status: criteria provided, multiple submitters, no conflicts (2 of 4 stars). 3 submissions from 3 submitters: Likely pathogenic (3). Last evaluated 2023-12-13.

Conditions:
Arginase deficiency. Also called: ARGININEMIA; ARG1 DEFICIENCY; Arginase 1 Deficiency. Identifiers: Orphanet 90, MedGen C0268548, MONDO:0008814, OMIM 207800.

Allele frequency attached by ClinVar (database versions not stated): gnomAD exomes 0.00001.
gnomAD v4.1: 14 of 1,612,574 alleles (0.00087%); highest among the groups gnomAD compares: Non-Finnish European, 0.0012%; no homozygotes.

Submissions (3):

Baylor Genetics
Classification: Likely pathogenic for Arginase deficiency. Last evaluated: 2023-12-13. Review status: criteria provided, single submitter. Criteria: ACMG Guidelines, 2015. Collection method: clinical testing. Allele origin: unknown.

Labcorp Genetics (formerly Invitae), Labcorp
Classification: Likely pathogenic for Arginase deficiency. Last evaluated: 2023-03-08. Review status: criteria provided, single submitter. Criteria: Invitae Variant Classification Sherloc (09022015). Collection method: clinical testing. Allele origin: germline.
Comment: This sequence change affects a donor splice site in intron 6 of the ARG1 gene. It is expected to disrupt RNA splicing. Variants that disrupt the donor or acceptor splice site typically lead to a loss of protein function (PMID: 16199547), and loss-of-function variants in ARG1 are known to be pathogenic (PMID: 7649538, 12052859). This variant is not present in population databases (gnomAD no frequency). This variant has not been reported in the literature in individuals affected with ARG1-related conditions. ClinVar contains an entry for this variant (Variation ID: 1523618). Algorithms developed to predict the effect of sequence changes on RNA splicing suggest that this variant may disrupt the consensus splice site. In summary, the currently available evidence indicates that the variant is pathogenic, but additional data are needed to prove that conclusively. Therefore, this variant has been classified as Likely Pathogenic.

Fulgent Genetics
Classification: Likely pathogenic for Arginase deficiency. Last evaluated: 2022-05-19. Review status: criteria provided, single submitter. Criteria: ACMG Guidelines, 2015. Collection method: clinical testing. Allele origin: unknown.

Literature cited by the submitters: PubMed 16199547 (cited by Labcorp Genetics (formerly Invitae), Labcorp); PubMed 7649538 (cited by Labcorp Genetics (formerly Invitae), Labcorp); PubMed 12052859 (cited by Labcorp Genetics (formerly Invitae), Labcorp).